The following is an entry in ClinVar:

ClinVar aggregate classification (germline): Pathogenic (1 of 4 stars; one submission).

Conditions:
Hereditary hemochromatosis (HFE). Identifiers: MedGen C0392514, MONDO:0006507. Disease mechanism: loss of function.

Submission:

Labcorp Genetics (formerly Invitae), Labcorp
Classification: Pathogenic for Hereditary hemochromatosis. Last evaluated: 2023-02-10. Review status: criteria provided, single submitter. Criteria: Invitae Variant Classification Sherloc (09022015). Collection method: clinical testing. Allele origin: germline.
Comment: This sequence change creates a premature translational stop signal (p.Trp673*) in the TFR2 gene. It is expected to result in an absent or disrupted protein product. Loss-of-function variants in TFR2 are known to be pathogenic (PMID: 23600741, 26029709). This variant is not present in population databases (gnomAD no frequency). This variant has not been reported in the literature in individuals affected with TFR2-related conditions. ClinVar contains an entry for this variant (Variation ID: 1453795). Algorithms developed to predict the effect of sequence changes on RNA splicing suggest that this variant may create or strengthen a splice site. For these reasons, this variant has been classified as Pathogenic.

Literature cited by the submitters: PubMed 23600741; PubMed 26029709.

NM_003227.4(TFR2):c.2018G>A (p.Trp673Ter)

Genes: TFR2 (transferrin receptor 2; minus strand), LOC113687175 (Sharpr-MPRA regulatory region 4647; plus strand). Cytogenetic location: 7q22.1.
Variant type: single nucleotide variant.
Coding change: c.2018G>A on transcript NM_003227.4 (MANE Select); coding-DNA position 2018, G replaced by A.
Protein change: p.Trp673Ter; replaces tryptophan 673 with a stop codon.
Molecular consequence: nonsense.
Genome position (GRCh38, 1-based): chr7:100,626,881, C>T on the plus strand (G>A on the coding strand, the complement: TFR2 is on the minus strand). VCF-style: chr7-100626881-C-T. GRCh37 (hg19) VCF-style: chr7-100224504-C-T.
Other names: c.1505G>A, p.Trp502Ter (NM_001206855.3); short protein forms W673*, W502*.
Identifiers: ClinVar variation 1453795 (VCV001453795.6), dbSNP rs1411667989, ClinGen allele CA368523019.
Genomic context (GRCh38, chr7:100,626,881, plus strand): 5'-TAGATCTCCTGCCGCAGCTTTTCCGCCGCCCGGATGTAGTCCCCCCGCGCCGAGTACACC[C>T]ACTGCAGGGTCAGCCCGCGGGCCTGGGGTGGGGAGGCGCGGGCTGGGGCTGGCGGCAGGG-3'